The following is an entry in ClinVar:

NM_207122.2(EXT2):c.*3C>T

Gene: EXT2 (exostosin glycosyltransferase 2; plus strand). Cytogenetic location: 11p11.2.
Variant type: single nucleotide variant.
Coding change: c.*3C>T on transcript NM_207122.2 (MANE Select); 3 bases downstream of the stop codon, C replaced by T.
Molecular consequence: 3 prime UTR variant.
Genome position (GRCh38, 1-based): chr11:44,244,290, C>T. VCF-style: chr11-44244290-C-T. GRCh37 (hg19) VCF-style: chr11-44265840-C-T.
Other names: c.*3C>T (NM_000401.3, NM_001178083.3, NM_001389628.1 and 1 more transcripts).
Identifiers: ClinVar variation 304595 (VCV000304595.5), dbSNP rs542907948, ClinGen allele CA5955461.

ClinVar aggregate classification (germline): Benign (1 of 4 stars; one submission).

Conditions:
Exostoses, multiple, type 2 (EXT2). Also called: Hereditary Multiple Osteochondromatosis, Type II; EXOSTOSES, MULTIPLE, TYPE II. Identifiers: Orphanet 321, MedGen C1851413, MONDO:0007586, OMIM 133701.

Allele frequency attached by ClinVar (database versions not stated): gnomAD 0.00001 and 0.00007; TOPMed 0.00002; ExAC 0.00014; 1000 Genomes Project 30x 0.00016; 1000 Genomes Project 0.00020.
gnomAD v4.1: 97 of 1,613,986 alleles (0.006%); highest among the groups gnomAD compares: South Asian, 0.078%; no homozygotes.

Submission:

Illumina Laboratory Services, Illumina
Classification: Benign for Exostoses, multiple, type 2. Last evaluated: 2018-01-12. Review status: criteria provided, single submitter. Criteria: ICSL Variant Classification Criteria 13 December 2019. Collection method: clinical testing. Allele origin: germline.
Comment: This variant was observed in the ICSL laboratory as part of a predisposition screen in an ostensibly healthy population. It had not been previously curated by ICSL or reported in the Human Gene Mutation Database (HGMD: prior to June 1st, 2018), and was therefore a candidate for classification through an automated scoring system. Utilizing variant allele frequency, disease prevalence and penetrance estimates, and inheritance mode, an automated score was calculated to assess if this variant is too frequent to cause the disease. Based on the score and internal cut-off values, a variant classified as benign is not then subjected to further curation. The score for this variant resulted in a classification of benign for this disease.